The following is an entry in ClinVar:

ClinVar aggregate classification (germline): Uncertain significance (1 of 4 stars; one submission).

Allele frequency attached by ClinVar (database versions not stated): gnomAD exomes below 0.00001 and 0.00001; TOPMed below 0.00001; ExAC 0.00001.
gnomAD v4.1: 5 of 1,614,072 alleles (0.00031%); highest among the groups gnomAD compares: East Asian, 0.0067%; no homozygotes.

Submission:

Labcorp Genetics (formerly Invitae), Labcorp
Classification: Uncertain significance. Last evaluated: 2023-12-11. Review status: criteria provided, single submitter. Criteria: Invitae Variant Classification Sherloc (09022015). Collection method: clinical testing. Allele origin: germline.
Comment: This sequence change replaces arginine, which is basic and polar, with tryptophan, which is neutral and slightly polar, at codon 376 of the POLR3A protein (p.Arg376Trp). This variant is present in population databases (rs751197345, gnomAD 0.02%). This variant has not been reported in the literature in individuals affected with POLR3A-related conditions. ClinVar contains an entry for this variant (Variation ID: 1466607). Advanced modeling of protein sequence and biophysical properties (such as structural, functional, and spatial information, amino acid conservation, physicochemical variation, residue mobility, and thermodynamic stability) performed at Invitae indicates that this missense variant is expected to disrupt POLR3A protein function with a positive predictive value of 80%. In summary, the available evidence is currently insufficient to determine the role of this variant in disease. Therefore, it has been classified as a Variant of Uncertain Significance.

NM_007055.4(POLR3A):c.1126C>T (p.Arg376Trp)

Gene: POLR3A (RNA polymerase III subunit A; minus strand). Cytogenetic location: 10q22.3.
Variant type: single nucleotide variant.
Coding change: c.1126C>T on transcript NM_007055.4 (MANE Select); coding-DNA position 1126, C replaced by T.
Protein change: p.Arg376Trp; replaces arginine 376 with tryptophan.
Molecular consequence: missense variant.
Genome position (GRCh38, 1-based): chr10:78,021,605, G>A on the plus strand (C>T on the coding strand, the complement: POLR3A is on the minus strand). VCF-style: chr10-78021605-G-A. GRCh37 (hg19) VCF-style: chr10-79781363-G-A.
Other names: short protein forms R376W.
Identifiers: ClinVar variation 1466607 (VCV001466607.6), dbSNP rs751197345, ClinGen allele CA5571534.
Genomic context (GRCh38, chr10:78,021,605, plus strand): 5'-CCTTCTCAGGAAAAGTTAGAATTTTGGCCACATGAACTGGCACAGCTACCTCATCAATCC[G>A]GAGGTTGGGGTCGGGCGAGATGACTGTTCTGCCAGAAAAATCCACTCTCTTTCCTGAGAG-3'
Protein context (NP_008986.2, residues 366-386): RTVISPDPNL[Arg376Trp]IDEVAVPVHV